The following is an entry in ClinVar:

NM_007294.4(BRCA1):c.2374G>A (p.Gly792Arg)

Gene: BRCA1 (BRCA1 DNA repair associated; minus strand). Cytogenetic location: 17q21.31.
Variant type: single nucleotide variant.
Coding change: c.2374G>A on transcript NM_007294.4 (MANE Select); coding-DNA position 2374, G replaced by A.
Protein change: p.Gly792Arg; replaces glycine 792 with arginine.
Molecular consequence: missense variant. On other transcripts: intron variant (137).
Genome position (GRCh38, 1-based): chr17:43,093,157, C>T on the plus strand (G>A on the coding strand, the complement: BRCA1 is on the minus strand). VCF-style: chr17-43093157-C-T. GRCh37 (hg19) VCF-style: chr17-41245174-C-T.
Other names: c.2161G>A, p.Gly721Arg (NM_001407571.1, NM_001407853.1, NM_001407894.1 and 9 more transcripts); c.2374G>A, p.Gly792Arg (NM_001407581.1, NM_001407582.1, NM_001407583.1 and 30 more transcripts); c.2371G>A, p.Gly791Arg (NM_001407587.1, NM_001407590.1, NM_001407591.1 and 22 more transcripts); c.2365G>A, p.Gly789Arg (NM_001407646.1, NM_001407647.1); c.2251G>A, p.Gly751Arg (NM_001407648.1, NM_001407664.1, NM_001407665.1 and 19 more transcripts); c.2248G>A, p.Gly750Arg (NM_001407649.1, NM_001407670.1, NM_001407671.1 and 11 more transcripts); c.2296G>A, p.Gly766Arg (NM_001407653.1, NM_001407654.1, NM_001407655.1 and 4 more transcripts); c.2293G>A, p.Gly765Arg (NM_001407659.1, NM_001407660.1, NM_001407661.1 and 1 more transcripts); and 41 more; short protein forms G792R, G745R, G680R, G681R, G725R, G750R, G791R, G496R.
Identifiers: ClinVar variation 482952 (VCV000482952.10), dbSNP rs1555589778, ClinGen allele CA10597263.

ClinVar aggregate classification (germline): Conflicting classifications of pathogenicity. Review status: criteria provided, conflicting classifications (1 of 4 stars). 3 submissions from 3 submitters: Uncertain significance (1); Likely benign (2). Last evaluated 2025-01-26.

Conditions:
Hereditary cancer-predisposing syndrome. Also called: Neoplastic Syndromes, Hereditary; Tumor predisposition; Hereditary Cancer Syndrome; Hereditary neoplastic syndrome. Identifiers: Orphanet 140162, MedGen C0027672, MeSH D009386, MONDO:0015356.
Hereditary breast ovarian cancer syndrome. Also called: Hereditary breast and ovarian cancer syndrome; Hereditary breast and ovarian cancer; Hereditary breast and ovarian cancer syndrome (HBOC); Breast and ovarian cancer; Hereditary breast and/or ovarian cancer syndrome; BRCA1- and BRCA2-Associated Hereditary Breast and Ovarian Cancer. Identifiers: Orphanet 145, MedGen C0677776, MeSH D061325, MONDO:0003582. Disease mechanism: loss of function.

Submissions (3):

Labcorp Genetics (formerly Invitae), Labcorp
Classification: Uncertain significance for Hereditary breast ovarian cancer syndrome. Last evaluated: 2025-01-26. Review status: criteria provided, single submitter. Criteria: Invitae Variant Classification Sherloc (09022015). Collection method: clinical testing. Allele origin: germline.
Comment: This sequence change replaces glycine, which is neutral and non-polar, with arginine, which is basic and polar, at codon 792 of the BRCA1 protein (p.Gly792Arg). This variant is not present in population databases (gnomAD no frequency). This variant has not been reported in the literature in individuals affected with BRCA1-related conditions. ClinVar contains an entry for this variant (Variation ID: 482952). Invitae Evidence Modeling of protein sequence and biophysical properties (such as structural, functional, and spatial information, amino acid conservation, physicochemical variation, residue mobility, and thermodynamic stability) indicates that this missense variant is not expected to disrupt BRCA1 protein function with a negative predictive value of 80%. In summary, the available evidence is currently insufficient to determine the role of this variant in disease. Therefore, it has been classified as a Variant of Uncertain Significance.

University of Washington Department of Laboratory Medicine, University of Washington
Classification: Likely benign for Hereditary cancer-predisposing syndrome. Last evaluated: 2023-03-23. Review status: criteria provided, single submitter. Criteria: Dines et al. (Genet Med. 2020). Collection method: curation. Allele origin: germline.
Comment: Missense variant in a coldspot region where missense variants are very unlikely to be pathogenic (PMID:31911673).

BRCA1 coldspot (exon 11 using historical exon numbering). Reclassification based on statistical prior probability

Ambry Genetics
Classification: Likely benign for Hereditary cancer-predisposing syndrome. Last evaluated: 2017-07-03. Review status: criteria provided, single submitter. Criteria: Ambry Variant Classification Scheme 2023. Collection method: clinical testing. Allele origin: germline.